The following is an entry in ClinVar:

ClinVar aggregate classification (germline): Pathogenic (1 of 4 stars; one submission).

Conditions:
Myofibrillar myopathy 5. Also called: Filaminopathy (type); FILAMINOPATHY, AUTOSOMAL DOMINANT. Identifiers: Orphanet 171445, MedGen C1836050, MONDO:0012289, OMIM 609524.
Hypertrophic cardiomyopathy 26. Also called: Cardiomyopathy, familial hypertrophic, 26. Identifiers: Orphanet 75249, MedGen C4310749, MONDO:0014883, OMIM 617047.
Distal myopathy with posterior leg and anterior hand involvement. Also called: WILLIAMS DISTAL MYOPATHY. Identifiers: Orphanet 63273, MedGen C3279722, MONDO:0013550, OMIM 614065.

Submission:

Labcorp Genetics (formerly Invitae), Labcorp
Classification: Pathogenic for Distal myopathy with posterior leg and anterior hand involvement; Myofibrillar myopathy 5; Hypertrophic cardiomyopathy 26. Last evaluated: 2023-03-19. Review status: criteria provided, single submitter. Criteria: Invitae Variant Classification Sherloc (09022015). Collection method: clinical testing. Allele origin: germline.
Comment: This sequence change creates a premature translational stop signal (p.Gln301*) in the FLNC gene. It is expected to result in an absent or disrupted protein product. Loss-of-function variants in FLNC are known to be pathogenic (PMID: 27908349). This variant is not present in population databases (gnomAD no frequency). This variant has not been reported in the literature in individuals affected with FLNC-related conditions. For these reasons, this variant has been classified as Pathogenic.

Literature cited by the submitters: PubMed 27908349.

NM_001458.5(FLNC):c.901C>T (p.Gln301Ter)

Gene: FLNC (filamin C; plus strand). Cytogenetic location: 7q32.1.
Variant type: single nucleotide variant.
Coding change: c.901C>T on transcript NM_001458.5 (MANE Select); coding-DNA position 901, C replaced by T.
Protein change: p.Gln301Ter; replaces glutamine 301 with a stop codon.
Molecular consequence: nonsense.
Genome position (GRCh38, 1-based): chr7:128,837,687, C>T. VCF-style: chr7-128837687-C-T. GRCh37 (hg19) VCF-style: chr7-128477741-C-T.
Other names: c.901C>T, p.Gln301Ter (NM_001127487.2); short protein forms Q301*.
Identifiers: ClinVar variation 2945494 (VCV002945494.3), dbSNP rs2536618994, ClinGen allele CA369223043.